The following is an entry in ClinVar:

ClinVar aggregate classification (germline): Uncertain significance (1 of 4 stars; one submission).

Conditions:
Duchenne muscular dystrophy (DMD). Also called: MUSCULAR DYSTROPHY, PSEUDOHYPERTROPHIC PROGRESSIVE, DUCHENNE TYPE; Duchenne Muscular Dystrophy (DMD). Identifiers: Orphanet 98896, MedGen C0013264, MONDO:0010679, OMIM 310200.

Submission:

Labcorp Genetics (formerly Invitae), Labcorp
Classification: Uncertain significance for Duchenne muscular dystrophy. Last evaluated: 2017-06-20. Review status: criteria provided, single submitter. Criteria: Invitae Variant Classification Sherloc (09022015). Collection method: clinical testing. Allele origin: germline.
Comment: This sequence change falls in intron 22 of the DMD gene. It does not directly change the encoded amino acid sequence of the DMD protein. This variant is not present in population databases (ExAC no frequency) and has not been reported in the literature in individuals with a DMD-related disease. Algorithms developed to predict the effect of sequence changes on RNA splicing suggest that this variant may alter RNA splicing, but this prediction has not been confirmed by published transcriptional studies. In summary, this is a novel intronic change with uncertain impact on splicing. It has been classified as a Variant of Uncertain Significance.

NM_004006.3(DMD):c.2950-9_2950-3del

Gene: DMD (dystrophin; minus strand). Cytogenetic location: Xp21.1.
Variant type: Deletion.
Coding change: c.2950-9_2950-3del on transcript NM_004006.3 (MANE Select); 9 bases into the intron before coding-DNA position 2950 through 3 bases into the intron before coding-DNA position 2950, 7 bases deleted (GTTTTTT; older notation c.2950-9_2950-3delGTTTTTT).
Molecular consequence: intron variant.
Genome position (GRCh38, 1-based): chrX:32,468,713-32,468,719, AAAAAAC deleted on the plus strand (GTTTTTT on the coding strand, the reverse complement: DMD is on the minus strand); deleting any 7 consecutive bases within chrX:32,468,713-32,468,721 gives the same sequence; the c. name uses the placement nearest the transcript's 3' end. VCF-style (leftmost placement, unchanged base first): chrX-32468712-TAAAAAAC-T. GRCh37 (hg19) VCF-style: chrX-32486829-TAAAAAAC-T.
Other names: c.2926-9_2926-3del (NM_000109.4); c.2938-9_2938-3del (NM_004009.3); c.2581-9_2581-3del (NM_004010.3).
Identifiers: ClinVar variation 455891 (VCV000455891.1), dbSNP rs1557372619, ClinGen allele CA658658949.